The following is an entry in ClinVar:

ClinVar aggregate classification (germline): Uncertain significance (1 of 4 stars; one submission).

Conditions:
Cardiovascular phenotype. Identifiers: MedGen CN230736.

Submission:

Ambry Genetics
Classification: Uncertain significance for Cardiovascular phenotype. Last evaluated: 2026-03-07. Review status: criteria provided, single submitter. Criteria: Ambry Variant Classification Scheme 2023. Collection method: clinical testing. Allele origin: germline.
Comment: The p.S2006A variant (also known as c.6016T>G), located in coding exon 16 of the TNXB gene, results from a T to G substitution at nucleotide position 6016. The serine at codon 2006 is replaced by alanine, an amino acid with similar properties. This amino acid position is conserved. In addition, this alteration is predicted to be tolerated by in silico analysis. Based on the available evidence, the clinical significance of this variant remains unclear.

NM_001365276.2(TNXB):c.6016T>G (p.Ser2006Ala)

Gene: TNXB (tenascin XB; minus strand). Cytogenetic location: 6p21.33.
Variant type: single nucleotide variant.
Coding change: c.6016T>G on transcript NM_001365276.2 (MANE Select); coding-DNA position 6016, T replaced by G.
Protein change: p.Ser2006Ala; replaces serine 2006 with alanine.
Molecular consequence: missense variant.
Genome position (GRCh38, 1-based): chr6:32,068,594, A>C on the plus strand (T>G on the coding strand, the complement: TNXB is on the minus strand). VCF-style: chr6-32068594-A-C. GRCh37 (hg19) VCF-style: chr6-32036371-A-C.
Other names: c.6757T>G, p.Ser2253Ala (NM_001428335.1); c.6016T>G, p.Ser2006Ala (NM_019105.8); short protein forms S2253A, S2006A.
Identifiers: ClinVar variation 4826805 (VCV004826805.1).
Genomic context (GRCh38, chr6:32,068,594, plus strand): 5'-CATCTCCATTCCTGTACTGGACCAGGAAGTGGTCAAACTGTCCCTCGGGAACTGTCCAGG[A>C]CAGGCTGAGGGAGTCAGGGGTGGCATCTGTCACGGTCAGCTCCCCCAGGCGAGGCTTGAT-3'
Protein context (NP_001352205.1, residues 1996-2016): TDATPDSLSL[Ser2006Ala]WTVPEGQFDH